The following is an entry in ClinVar:

ClinVar aggregate classification (germline): Pathogenic (1 of 4 stars; one submission).

Conditions:
Familial thoracic aortic aneurysm and aortic dissection (TAAD). Also called: Thoracic aortic aneurysms and dissections. Identifiers: Orphanet 91387, MedGen C4707243, MONDO:0019625.
Marfan syndrome (MFS). Also called: FBN1-Related Marfan Syndrome; Marfan's syndrome; MARFAN SYNDROME, TYPE I; Marfan syndrome type 1; Marfan syndrome, classic. Identifiers: Orphanet 284963, Orphanet 558, MedGen C0024796, MONDO:0007947, OMIM 154700.

Submission:

Labcorp Genetics (formerly Invitae), Labcorp
Classification: Pathogenic for Marfan syndrome; Familial thoracic aortic aneurysm and aortic dissection. Last evaluated: 2019-09-11. Review status: criteria provided, single submitter. Criteria: Invitae Variant Classification Sherloc (09022015). Collection method: clinical testing. Allele origin: germline.
Comment: For these reasons, this variant has been classified as Pathogenic. This variant affects cysteine residues in the EGF-like, TGFBP or hybrid motif domains of FBN1. Cysteine residues are believed to be involved in intramolecular disulfide bridges and have been shown to be important for FBN1 protein structure (PMID: 16905551, 19349279). In addition, missense substitutions affecting cysteine residues within these domains are significantly overrepresented among patients with Marfan syndrome (PMID: 16571647, 17701892). This variant is an in-frame deletion of the genomic region encompassing exons 11-17 of the FBN1 gene. It preserves the integrity of the reading frame.

Literature cited by the submitters: PubMed 16905551; PubMed 19349279; PubMed 16571647; PubMed 17701892.

NC_000015.10:g.(?_48503777)_(48516372_?)del

Gene: FBN1 (fibrillin 1; minus strand). Cytogenetic location: 15q21.1.
Variant type: Deletion.
Identifiers: ClinVar variation 832352 (VCV000832352.7).